The following is an entry in ClinVar:

ClinVar aggregate classification (germline): Likely benign. Review status: criteria provided, multiple submitters, no conflicts (2 of 4 stars). 2 submissions from 2 submitters: Likely benign (2). Last evaluated 2023-05-16.

Conditions:
Hereditary cancer-predisposing syndrome. Also called: Hereditary Cancer Syndrome; Neoplastic Syndromes, Hereditary; Hereditary neoplastic syndrome; Tumor predisposition. Identifiers: Orphanet 140162, MedGen C0027672, MeSH D009386, MONDO:0015356.
Classic or attenuated familial adenomatous polyposis. Identifiers: MedGen CN372698, MONDO:0021057.

Allele frequency attached by ClinVar (database versions not stated): gnomAD exomes below 0.00001; TOPMed below 0.00001.
gnomAD v4.1: 1 of 1,614,126 alleles (0.000062%); highest among the groups gnomAD compares: Non-Finnish European, 0.000085%; no homozygotes.

Submissions (2):

All of Us Research Program, National Institutes of Health
Classification: Likely benign for Classic or attenuated familial adenomatous polyposis. Last evaluated: 2023-05-16. Review status: criteria provided, single submitter. Criteria: ACMG Guidelines, 2015. Collection method: clinical testing. Allele origin: germline. Inheritance: Autosomal dominant inheritance. Observed: 1 variant allele, 1 heterozygote.
Comment: This study involves interpretation of variants in research participants for the purpose of population health screening. Participant phenotype was not available at the time of variant classification. Additional details can be found in publication PMID: 35346344, PMCID: PMC8962531

Ambry Genetics
Classification: Likely benign for Hereditary cancer-predisposing syndrome. Last evaluated: 2016-07-25. Review status: criteria provided, single submitter. Criteria: Ambry Variant Classification Scheme 2023. Collection method: clinical testing. Allele origin: germline.

NM_000038.6(APC):c.8247A>T (p.Ser2749=)

Gene: APC (APC regulator of Wnt signaling pathway; plus strand). Cytogenetic location: 5q22.2.
Variant type: single nucleotide variant.
Coding change: c.8247A>T on transcript NM_000038.6 (MANE Select); coding-DNA position 8247, A replaced by T.
Protein change: p.Ser2749=; no amino-acid change (serine 2749 retained).
Molecular consequence: synonymous variant.
Genome position (GRCh38, 1-based): chr5:112,843,841, A>T. VCF-style: chr5-112843841-A-T. GRCh37 (hg19) VCF-style: chr5-112179538-A-T.
Other names: c.8247A>T, p.Ser2749= (NM_001127510.3, NM_001354895.2); c.8193A>T, p.Ser2731= (NM_001127511.3); c.8301A>T, p.Ser2767= (NM_001354896.2); c.8277A>T, p.Ser2759= (NM_001354897.2); c.8172A>T, p.Ser2724= (NM_001354898.2); c.8163A>T, p.Ser2721= (NM_001354899.2); c.8124A>T, p.Ser2708= (NM_001354900.2); c.8070A>T, p.Ser2690= (NM_001354901.2); and 5 more.
Identifiers: ClinVar variation 428123 (VCV000428123.6), dbSNP rs953342697, ClinGen allele CA125167824.